The following is an entry in ClinVar:

ClinVar aggregate classification (germline): Uncertain significance (1 of 4 stars; one submission).

Allele frequency attached by ClinVar (database versions not stated): gnomAD 0.00001; gnomAD exomes below 0.00001.
gnomAD v4.1: 3 of 1,612,906 alleles (0.00019%); highest among the groups gnomAD compares: East Asian, 0.0067%; no homozygotes.

Submission:

GeneDx
Classification: Uncertain significance. Last evaluated: 2016-06-21. Review status: criteria provided, single submitter. Criteria: GeneDx Variant Classification (06012015). Collection method: clinical testing. Allele origin: germline. Affected: yes.
Comment: The E122A variant in the AGPAT2 gene has not been reported previously as a pathogenic variant, nor as a benign variant, to our knowledge. The E122A variant was not observed in approximately 6,500 individuals of European and African American ancestry in the NHLBI Exome Sequencing Project, indicating it is not a common benign variant in these populations. The E122A variant is a non-conservative amino acid substitution, which is likely to impact secondary protein structure as these residues differ in polarity, charge, size and/or other properties. This substitution occurs at a position that is conserved across species. In silico analysis predicts this variant is probably damaging to the protein structure/function. We interpret E122A as a variant of uncertain significance.

NM_006412.4(AGPAT2):c.365A>C (p.Glu122Ala)

Gene: AGPAT2 (1-acylglycerol-3-phosphate O-acyltransferase 2; minus strand). Cytogenetic location: 9q34.3.
Variant type: single nucleotide variant.
Coding change: c.365A>C on transcript NM_006412.4 (MANE Select); coding-DNA position 365, A replaced by C.
Protein change: p.Glu122Ala; replaces glutamic acid 122 with alanine.
Molecular consequence: missense variant.
Genome position (GRCh38, 1-based): chr9:136,677,088, T>G on the plus strand (A>C on the coding strand, the complement: AGPAT2 is on the minus strand). VCF-style: chr9-136677088-T-G. GRCh37 (hg19) VCF-style: chr9-139571540-T-G.
Other names: c.365A>C, p.Glu122Ala (NM_001012727.2); short protein forms E122A.
Identifiers: ClinVar variation 387132 (VCV000387132.2), dbSNP rs1057522706, ClinGen allele CA16605653.